The following is an entry in ClinVar:

ClinVar aggregate classification (germline): Uncertain significance (1 of 4 stars; one submission).

Conditions:
Growth hormone insensitivity with immune dysregulation 1, autosomal recessive. Also called: Laron syndrome with immunodeficiency; GROWTH HORMONE INSENSITIVITY DUE TO POSTRECEPTOR DEFECT; LARON SYNDROME DUE TO POSTRECEPTOR DEFECT; GROWTH HORMONE INSENSITIVITY SYNDROME WITH IMMUNE DYSREGULATION 1, AUTOSOMAL RECESSIVE. Identifiers: Orphanet 220465, MedGen C5435698, MONDO:0100211, OMIM 245590.

gnomAD v4.1: 1 of 1,614,032 alleles (0.000062%); highest among the groups gnomAD compares: Non-Finnish European, 0.000085%; no homozygotes.

Submission:

Labcorp Genetics (formerly Invitae), Labcorp
Classification: Uncertain significance for Growth hormone insensitivity with immune dysregulation 1, autosomal recessive. Last evaluated: 2024-12-24. Review status: criteria provided, single submitter. Criteria: Invitae Variant Classification Sherloc (09022015). Collection method: clinical testing. Allele origin: germline.
Comment: This sequence change replaces lysine, which is basic and polar, with threonine, which is neutral and polar, at codon 70 of the STAT5B protein (p.Lys70Thr). This variant is not present in population databases (gnomAD no frequency). This variant has not been reported in the literature in individuals affected with STAT5B-related conditions. Invitae Evidence Modeling of protein sequence and biophysical properties (such as structural, functional, and spatial information, amino acid conservation, physicochemical variation, residue mobility, and thermodynamic stability) indicates that this missense variant is not expected to disrupt STAT5B protein function with a negative predictive value of 80%. In summary, the available evidence is currently insufficient to determine the role of this variant in disease. Therefore, it has been classified as a Variant of Uncertain Significance.

NM_012448.4(STAT5B):c.209A>C (p.Lys70Thr)

Gene: STAT5B (signal transducer and activator of transcription 5B; minus strand). Cytogenetic location: 17q21.2.
Variant type: single nucleotide variant.
Coding change: c.209A>C on transcript NM_012448.4 (MANE Select); coding-DNA position 209, A replaced by C.
Protein change: p.Lys70Thr; replaces lysine 70 with threonine.
Molecular consequence: missense variant.
Genome position (GRCh38, 1-based): chr17:42,227,605, T>G on the plus strand (A>C on the coding strand, the complement: STAT5B is on the minus strand). VCF-style: chr17-42227605-T-G. GRCh37 (hg19) VCF-style: chr17-40379623-T-G.
Other names: short protein forms K70T.
Identifiers: ClinVar variation 3710616 (VCV003710616.2).
Genomic context (GRCh38, chr17:42,227,605, plus strand): 5'-TAGTGCCCCAGCTTGATCTTCAGTAAAAACCCATCTTCCCCCACCTGGTGCTCTGCCTTC[T>G]TCTGCAGCTCCTGCACCAGGCCCTCCAGGAGCTGGGTGGCCTTAATGTTCTCCTGTGGAT-3'
Protein context (NP_036580.2, residues 60-80): LLEGLVQELQ[Lys70Thr]KAEHQVGEDG